The following is an entry in ClinVar:

ClinVar aggregate classification (germline): Likely pathogenic (1 of 4 stars; one submission).

Conditions:
Early-infantile DEE. Also called: Ohtahara syndrome; Early infantile epileptic encephalopathy with suppression bursts; Early infantile epileptic encephalopathy. Identifiers: Orphanet 1934, MedGen C0393706, MONDO:0800491.

Submission:

Labcorp Genetics (formerly Invitae), Labcorp
Classification: Likely pathogenic for Early-infantile DEE. Last evaluated: 2022-07-30. Review status: criteria provided, single submitter. Criteria: Invitae Variant Classification Sherloc (09022015). Collection method: clinical testing. Allele origin: germline.
Comment: In summary, the currently available evidence indicates that the variant is pathogenic, but additional data are needed to prove that conclusively. Therefore, this variant has been classified as Likely Pathogenic. This variant disrupts the p.Ser243 amino acid residue in SCN1A. Other variant(s) that disrupt this residue have been determined to be pathogenic (PMID: 18930999). This suggests that this residue is clinically significant, and that variants that disrupt this residue are likely to be disease-causing. Advanced modeling of protein sequence and biophysical properties (such as structural, functional, and spatial information, amino acid conservation, physicochemical variation, residue mobility, and thermodynamic stability) performed at Invitae indicates that this missense variant is expected to disrupt SCN1A protein function. This variant has not been reported in the literature in individuals affected with SCN1A-related conditions. This variant is not present in population databases (gnomAD no frequency). This sequence change replaces serine, which is neutral and polar, with proline, which is neutral and non-polar, at codon 243 of the SCN1A protein (p.Ser243Pro).

Literature cited by the submitters: PubMed 18930999.

NM_001165963.4(SCN1A):c.727T>C (p.Ser243Pro)

Gene: SCN1A (sodium voltage-gated channel alpha subunit 1; minus strand). Cytogenetic location: 2q24.3.
Variant type: single nucleotide variant.
Coding change: c.727T>C on transcript NM_001165963.4 (MANE Select); coding-DNA position 727, T replaced by C.
Protein change: p.Ser243Pro; replaces serine 243 with proline.
Molecular consequence: missense variant. On other transcripts: 5 prime UTR variant (1), non-coding transcript variant (1).
Genome position (GRCh38, 1-based): chr2:166,051,956, A>G on the plus strand (T>C on the coding strand, the complement: SCN1A is on the minus strand). VCF-style: chr2-166051956-A-G. GRCh37 (hg19) VCF-style: chr2-166908466-A-G.
Other names: c.727T>C, p.Ser243Pro (NM_001165964.3, NM_001202435.3, NM_001353948.2 and 10 more transcripts); c.-1699T>C (NM_001353961.2); short protein forms S243P.
Identifiers: ClinVar variation 2020670 (VCV002020670.4), dbSNP rs2468224941, ClinGen allele CA349073731.